The following is an entry in ClinVar:

ClinVar aggregate classification (germline): Likely benign. Review status: criteria provided, multiple submitters, no conflicts (2 of 4 stars). 2 submissions from 2 submitters: Likely benign (2). Last evaluated 2026-01-09.

Conditions:
BAP1-related tumor predisposition syndrome (TPDS1). Also called: BAP1 tumor predisposition syndrome; Tumor susceptibility linked to germline BAP1 mutations; COMMON Syndrome; TUMOR PREDISPOSITION SYNDROME 1. Identifiers: Orphanet 289539, MedGen C3280492, MONDO:0013692, OMIM 614327.
BAP1-related disorder. Also called: BAP1-related condition.

gnomAD v4.1: 2 of 1,613,764 alleles (0.00012%); no homozygotes.

Submissions (2):

PreventionGenetics, part of Exact Sciences
Classification: Likely benign for BAP1-related condition. Last evaluated: 2026-01-09. Review status: criteria provided, single submitter. Criteria: ACMG Guidelines, 2015. Collection method: clinical testing. Allele origin: germline.
Comment: This variant is classified as likely benign based on ACMG/AMP sequence variant interpretation guidelines (Richards et al. 2015 PMID: 25741868, with internal and published modifications).

Labcorp Genetics (formerly Invitae), Labcorp
Classification: Likely benign for BAP1-related tumor predisposition syndrome. Last evaluated: 2024-11-22. Review status: criteria provided, single submitter. Criteria: Invitae Variant Classification Sherloc (09022015). Collection method: clinical testing. Allele origin: germline.

NM_004656.4(BAP1):c.1470T>C (p.Asn490=)

Gene: BAP1 (BRCA1 associated deubiquitinase 1; minus strand). Cytogenetic location: 3p21.1.
Variant type: single nucleotide variant.
Coding change: c.1470T>C on transcript NM_004656.4 (MANE Select); coding-DNA position 1470, T replaced by C.
Protein change: p.Asn490=; no amino-acid change (asparagine 490 retained).
Molecular consequence: synonymous variant.
Genome position (GRCh38, 1-based): chr3:52,403,675, A>G on the plus strand (T>C on the coding strand, the complement: BAP1 is on the minus strand). VCF-style: chr3-52403675-A-G. GRCh37 (hg19) VCF-style: chr3-52437691-A-G.
Other names: c.1470T>C (NM_004656.3).
Identifiers: ClinVar variation 1158816 (VCV001158816.8), dbSNP rs2153226708, ClinGen allele CA433886258.